The following is an entry in ClinVar:

NM_015909.4(NBAS):c.1213C>T (p.Arg405Ter)

Gene: NBAS (NBAS subunit of NRZ tethering complex; minus strand). Cytogenetic location: 2p24.3.
Variant type: single nucleotide variant.
Coding change: c.1213C>T on transcript NM_015909.4 (MANE Select); coding-DNA position 1213, C replaced by T.
Protein change: p.Arg405Ter; replaces arginine 405 with a stop codon.
Molecular consequence: nonsense. On other transcripts: non-coding transcript variant (1).
Genome position (GRCh38, 1-based): chr2:15,475,815, G>A on the plus strand (C>T on the coding strand, the complement: NBAS is on the minus strand). VCF-style: chr2-15475815-G-A. GRCh37 (hg19) VCF-style: chr2-15615939-G-A.
Other names: short protein forms R405*.
Identifiers: ClinVar variation 1335898 (VCV001335898.12), dbSNP rs376113678, ClinGen allele CA1536741.

ClinVar aggregate classification (germline): Pathogenic. Review status: criteria provided, multiple submitters, no conflicts (2 of 4 stars). 5 submissions from 5 submitters: Pathogenic (5). Last evaluated 2026-08-01.

Conditions:
Acute infantile liver failure due to synthesis defect of mtDNA-encoded proteins. Also called: LIVER FAILURE, INFANTILE, TRANSIENT; Liver failure acute infantile; TRMU Deficiency. Identifiers: Orphanet 217371, MedGen C3278664, MONDO:0013111, OMIM 613070.
Infantile liver failure syndrome 2 (ILFS2). Identifiers: MedGen C3809651, MONDO:0014659, OMIM 616483.
Retinal dystrophy. Also called: Inherited retinal dystrophy. Identifiers: Orphanet 71862, MedGen C0854723, MeSH D058499, MONDO:0019118, HP:0000556.

Allele frequency attached by ClinVar (database versions not stated): ExAC 0.00001; gnomAD exomes 0.00001; ESP Exome Variant Server 0.00008.

Submissions (5):

CeGaT Center for Human Genetics Tuebingen
Classification: Pathogenic. Last evaluated: 2026-08-01. Review status: criteria provided, single submitter. Criteria: CeGaT Center For Human Genetics Tuebingen Variant Classification Criteria Version 2. Collection method: clinical testing. Allele origin: germline. Affected: yes. Observed: 2 variant alleles.
Comment: NBAS: PVS1, PM2, PM3:Supporting

Women's Health and Genetics/Laboratory Corporation of America, LabCorp
Classification: Pathogenic for Acute infantile liver failure due to synthesis defect of mtDNA-encoded proteins. Last evaluated: 2024-04-30. Review status: criteria provided, single submitter. Criteria: LabCorp Variant Classification Summary - May 2015. Collection method: clinical testing. Allele origin: germline.
Comment: Variant summary: NBAS c.1213C>T (p.Arg405X) results in a premature termination codon, predicted to cause a truncation of the encoded protein or absence of the protein due to nonsense mediated decay, which are commonly known mechanisms for disease. The variant allele was found at a frequency of 8e-06 in 251276 control chromosomes. c.1213C>T has been reported in the literature in individuals affected with Liver Failure Acute Infantile, Type 2 (example: Akesson_2022). These data indicate that the variant is likely associated with disease. The following publication has been ascertained in the context of this evaluation (PMID: 35433172). ClinVar contains an entry for this variant (Variation ID: 1335898). Based on the evidence outlined above, the variant was classified as pathogenic.

Labcorp Genetics (formerly Invitae), Labcorp
Classification: Pathogenic. Last evaluated: 2023-04-01. Review status: criteria provided, single submitter. Criteria: Invitae Variant Classification Sherloc (09022015). Collection method: clinical testing. Allele origin: germline.
Comment: This sequence change creates a premature translational stop signal (p.Arg405*) in the NBAS gene. It is expected to result in an absent or disrupted protein product. Loss-of-function variants in NBAS are known to be pathogenic (PMID: 26073778, 26541327, 27789416, 28031453). This variant is present in population databases (rs376113678, gnomAD 0.004%). This variant has not been reported in the literature in individuals affected with NBAS-related conditions. ClinVar contains an entry for this variant (Variation ID: 1335898). For these reasons, this variant has been classified as Pathogenic.

Institute of Human Genetics, Univ. Regensburg, Univ. Regensburg
Classification: Pathogenic for Retinal dystrophy. Last evaluated: 2022-01-01. Review status: criteria provided, single submitter. Criteria: ACMG Guidelines, 2015. Collection method: clinical testing. Allele origin: germline. Affected: yes.

Brain and Mitochondrial Research, Murdoch Children's Research Insitute
Classification: Pathogenic for Infantile liver failure syndrome 2. Review status: criteria provided, single submitter. Criteria: ACMG Guidelines, 2015. Collection method: research. Allele origin: germline, not applicable. Inheritance: Autosomal recessive inheritance. Affected: yes. Observed: 1 compound heterozygote.
Comment: The NM_015909.3(NBAS):c.1213C>T; The variant was absent from a large population database (gnomAD v2.1.1 (accessed 07/10/2020)). It has not been previously reported in association with clinical disease, however many upstream and downstream variants also resulting in a premature termination codon have been reported (PMID: 31761904). cDNA studies confirmed the transcript to be subject to degradation by nonsense mediated decay (NMD). Western blotting of fibroblast cell lysates showed decreased NBAS protein expression. The phenotype was a strong and specific match for NBAS-associated RALF (MIM#616483). cDNA studies confirmed compound heterozygosity with a pathogenic variant. Based on current information this variant has been classified as PATHOGENIC.

Literature cited by the submitters: PubMed 35433172 (cited by Women's Health and Genetics/Laboratory Corporation of America, LabCorp and Institute of Human Genetics, Univ. Regensburg, Univ. Regensburg); PubMed 26073778 (cited by Labcorp Genetics (formerly Invitae), Labcorp); PubMed 26541327 (cited by Labcorp Genetics (formerly Invitae), Labcorp); PubMed 27789416 (cited by Labcorp Genetics (formerly Invitae), Labcorp); PubMed 28031453 (cited by Labcorp Genetics (formerly Invitae), Labcorp); PubMed 3196484 (cited by Institute of Human Genetics, Univ. Regensburg, Univ. Regensburg); PubMed 31761904 (cited by Brain and Mitochondrial Research, Murdoch Children's Research Insitute).